The following is an entry in ClinVar:

ClinVar aggregate classification (germline): Uncertain significance (1 of 4 stars; one submission).

Submission:

GeneDx
Classification: Uncertain significance. Last evaluated: 2025-03-22. Review status: criteria provided, single submitter. Criteria: GeneDx Variant Classification Process June 2021. Collection method: clinical testing. Allele origin: germline. Affected: yes.
Comment: Not observed at significant frequency in large population cohorts (gnomAD); In silico analysis supports that this missense variant has a deleterious effect on protein structure/function; Has not been previously published as pathogenic or benign to our knowledge

NM_000540.3(RYR1):c.4821G>A (p.Met1607Ile)

Gene: RYR1 (ryanodine receptor 1; plus strand). Cytogenetic location: 19q13.2.
Variant type: single nucleotide variant.
Coding change: c.4821G>A on transcript NM_000540.3 (MANE Select); coding-DNA position 4821, G replaced by A.
Protein change: p.Met1607Ile; replaces methionine 1607 with isoleucine.
Molecular consequence: missense variant.
Genome position (GRCh38, 1-based): chr19:38,483,403, G>A. VCF-style: chr19-38483403-G-A. GRCh37 (hg19) VCF-style: chr19-38974043-G-A.
Other names: c.4821G>A, p.Met1607Ile (NM_001042723.2); short protein forms M1607I.
Identifiers: ClinVar variation 4086426 (VCV004086426.1).